The following is an entry in ClinVar:

ClinVar aggregate classification (germline): Uncertain significance. Review status: criteria provided, multiple submitters, no conflicts (2 of 4 stars). 3 submissions from 3 submitters: Uncertain significance (3). Last evaluated 2026-01-11.

Conditions:
ATR-related disorder. Also called: ATR-related condition.
Inborn genetic diseases. Identifiers: MedGen C0950123, MeSH D030342.

Allele frequency attached by ClinVar (database versions not stated): gnomAD exomes below 0.00001; TOPMed 0.00002.
gnomAD v4.1: 8 of 1,607,912 alleles (0.0005%); highest among the groups gnomAD compares: African/African-American, 0.0013%; no homozygotes.

Submissions (3):

Labcorp Genetics (formerly Invitae), Labcorp
Classification: Uncertain significance. Last evaluated: 2026-01-11. Review status: criteria provided, single submitter. Criteria: Invitae Variant Classification Sherloc (09022015). Collection method: clinical testing. Allele origin: germline.
Comment: This sequence change replaces threonine, which is neutral and polar, with asparagine, which is neutral and polar, at codon 1754 of the ATR protein (p.Thr1754Asn). This variant is not present in population databases (gnomAD no frequency). This variant has not been reported in the literature in individuals affected with ATR-related conditions. ClinVar contains an entry for this variant (Variation ID: 1026408). An algorithm developed to predict the effect of missense changes on protein structure and function (PolyPhen-2) suggests that this variant is likely to be disruptive. In summary, the available evidence is currently insufficient to determine the role of this variant in disease. Therefore, it has been classified as a Variant of Uncertain Significance.

PreventionGenetics, part of Exact Sciences
Classification: Uncertain significance for ATR-related condition. Last evaluated: 2023-03-17. Review status: criteria provided, single submitter. Criteria: ACMG Guidelines, 2015. Collection method: clinical testing. Allele origin: germline.
Comment: The ATR c.5261C>A variant is predicted to result in the amino acid substitution p.Thr1754Asn. To our knowledge, this variant has not been reported in the literature or in a large population database, indicating this variant is rare. At this time, the clinical significance of this variant is uncertain due to the absence of conclusive functional and genetic evidence.

Ambry Genetics
Classification: Uncertain significance for Inborn genetic diseases. Last evaluated: 2022-12-18. Review status: criteria provided, single submitter. Criteria: Ambry Variant Classification Scheme 2023. Collection method: clinical testing. Allele origin: germline.
Comment: The p.T1754N variant (also known as c.5261C>A), located in coding exon 30 of the ATR gene, results from a C to A substitution at nucleotide position 5261. The threonine at codon 1754 is replaced by asparagine, an amino acid with similar properties. This amino acid position is conserved. In addition, this alteration is predicted to be tolerated by in silico analysis. Since supporting evidence is limited at this time, the clinical significance of this alteration remains unclear.

NM_001184.4(ATR):c.5261C>A (p.Thr1754Asn)

Gene: ATR (ATR checkpoint kinase; minus strand). Cytogenetic location: 3q23.
Variant type: single nucleotide variant.
Coding change: c.5261C>A on transcript NM_001184.4 (MANE Select); coding-DNA position 5261, C replaced by A.
Protein change: p.Thr1754Asn; replaces threonine 1754 with asparagine.
Molecular consequence: missense variant.
Genome position (GRCh38, 1-based): chr3:142,503,389, G>T on the plus strand (C>A on the coding strand, the complement: ATR is on the minus strand). VCF-style: chr3-142503389-G-T. GRCh37 (hg19) VCF-style: chr3-142222231-G-T.
Other names: c.5261C>A (NM_001184.3); c.5069C>A, p.Thr1690Asn (NM_001354579.2); short protein forms T1690N, T1754N.
Identifiers: ClinVar variation 1026408 (VCV001026408.9), dbSNP rs772903137, ClinGen allele CA354818358.